The following is an entry in ClinVar:

ClinVar aggregate classification (germline): Uncertain significance. Review status: criteria provided, multiple submitters, no conflicts (2 of 4 stars). 3 submissions from 3 submitters: Uncertain significance (3). Last evaluated 2024-03-13.

Conditions:
Familial thoracic aortic aneurysm and aortic dissection (TAAD). Also called: Thoracic aortic aneurysms and dissections. Identifiers: Orphanet 91387, MedGen C4707243, MONDO:0019625.
Aortic aneurysm, familial thoracic 4 (AAT4). Also called: AORTIC ANEURYSM/AORTIC DISSECTION AND PATENT DUCTUS ARTERIOSUS. Identifiers: MedGen C1851504, MONDO:0007568, OMIM 132900.

Allele frequency attached by ClinVar (database versions not stated): gnomAD exomes below 0.00001.
gnomAD v4.1: 1 of 1,614,106 alleles (0.000062%); highest among the groups gnomAD compares: Admixed American, 0.0017%; no homozygotes.

Submissions (3):

Labcorp Genetics (formerly Invitae), Labcorp
Classification: Uncertain significance for Aortic aneurysm, familial thoracic 4. Last evaluated: 2024-03-13. Review status: criteria provided, single submitter. Criteria: Invitae Variant Classification Sherloc (09022015). Collection method: clinical testing. Allele origin: germline.
Comment: This sequence change replaces lysine, which is basic and polar, with arginine, which is basic and polar, at codon 1159 of the MYH11 protein (p.Lys1159Arg). This variant is present in population databases (no rsID available, gnomAD 0.003%). This variant has not been reported in the literature in individuals affected with MYH11-related conditions. ClinVar contains an entry for this variant (Variation ID: 1218544). Advanced modeling of protein sequence and biophysical properties (such as structural, functional, and spatial information, amino acid conservation, physicochemical variation, residue mobility, and thermodynamic stability) performed at Invitae indicates that this missense variant is not expected to disrupt MYH11 protein function with a negative predictive value of 95%. In summary, the available evidence is currently insufficient to determine the role of this variant in disease. Therefore, it has been classified as a Variant of Uncertain Significance.

All of Us Research Program, National Institutes of Health
Classification: Uncertain significance for Familial thoracic aortic aneurysm and aortic dissection. Last evaluated: 2023-09-17. Review status: criteria provided, single submitter. Criteria: ACMG Guidelines, 2015. Collection method: clinical testing. Allele origin: germline. Inheritance: Autosomal dominant inheritance. Observed: 1 variant allele, 1 heterozygote.
Comment: This missense variant replaces lysine with arginine at codon 1159 of the MYH11 protein. Computational prediction suggests that this variant may not impact protein structure and function (internally defined REVEL score threshold <= 0.5, PMID: 27666373). To our knowledge, functional studies have not been reported for this variant. This variant has not been reported in individuals affected with MYH11-related disorders in the literature. This variant has been identified in 1/251478 chromosomes in the general population by the Genome Aggregation Database (gnomAD). The available evidence is insufficient to determine the role of this variant in disease conclusively. Therefore, this variant is classified as a Variant of Uncertain Significance.

This study involves interpretation of variants in research participants for the purpose of population health screening. Participant phenotype was not available at the time of variant classification. Additional details can be found in publication PMID: 35346344, PMCID: PMC8962531

GeneDx
Classification: Uncertain significance. Last evaluated: 2020-06-19. Review status: criteria provided, single submitter. Criteria: GeneDx Variant Classification Process June 2021. Collection method: clinical testing. Allele origin: germline. Affected: yes.
Comment: Has not been previously published as pathogenic or benign to our knowledge; Not observed at a significant frequency in large population cohorts (Lek et al., 2016); In silico analysis supports that this missense variant does not alter protein structure/function

NM_002474.3(MYH11):c.3455A>G (p.Lys1152Arg)

Gene: MYH11 (myosin heavy chain 11; minus strand). Cytogenetic location: 16p13.11.
Variant type: single nucleotide variant.
Coding change: c.3455A>G on transcript NM_002474.3 (MANE Select); coding-DNA position 3455, A replaced by G.
Protein change: p.Lys1152Arg; replaces lysine 1152 with arginine.
Molecular consequence: missense variant.
Genome position (GRCh38, 1-based): chr16:15,735,417, T>C on the plus strand (A>G on the coding strand, the complement: MYH11 is on the minus strand). VCF-style: chr16-15735417-T-C. GRCh37 (hg19) VCF-style: chr16-15829274-T-C.
Other names: c.3476A>G, p.Lys1159Arg (NM_001040113.2, NM_001040114.2); c.3455A>G, p.Lys1152Arg (NM_022844.3); short protein forms K1152R, K1159R.
Identifiers: ClinVar variation 1218544 (VCV001218544.7), dbSNP rs1433294302, ClinGen allele CA394861836.